The following is an entry in ClinVar:

NM_002218.5(ITIH4):c.1204G>A (p.Val402Met)

Genes: ITIH4 (inter-alpha-trypsin inhibitor heavy chain 4; minus strand), ITIH4-AS1 (ITIH4 antisense RNA 1; plus strand). Cytogenetic location: 3p21.1.
Variant type: single nucleotide variant.
Coding change: c.1204G>A on transcript NM_002218.5 (MANE Select); coding-DNA position 1204, G replaced by A.
Protein change: p.Val402Met; replaces valine 402 with methionine.
Molecular consequence: missense variant. On other transcripts: non-coding transcript variant (1).
Genome position (GRCh38, 1-based): chr3:52,823,972, C>T on the plus strand (G>A on the coding strand, the complement: ITIH4 is on the minus strand). VCF-style: chr3-52823972-C-T. GRCh37 (hg19) VCF-style: chr3-52857988-C-T.
Other names: c.1204G>A, p.Val402Met (NM_001166449.2); short protein forms V402M.
Identifiers: ClinVar variation 712701 (VCV000712701.18), dbSNP rs74971919, ClinGen allele CA2449421.

ClinVar aggregate classification (germline): Likely benign. Review status: criteria provided, single submitter (1 of 4 stars). 2 submissions from 2 submitters: Likely benign (1). 1 of the submissions does not count toward it. Last evaluated 2018-08-09.

Conditions:
ITIH4-related disorder. Also called: ITIH4-related condition.

Allele frequency attached by ClinVar (database versions not stated): 1000 Genomes Project 30x 0.00031; 1000 Genomes Project 0.00040; ESP Exome Variant Server 0.00108; ExAC 0.00134; gnomAD exomes 0.00142; TOPMed 0.00173.
gnomAD v4.1: 3,572 of 1,583,126 alleles (0.23%); highest among the groups gnomAD compares: Non-Finnish European, 0.27%; 10 homozygotes.

Submissions (2):

Labcorp Genetics (formerly Invitae), Labcorp
Classification: Likely benign. Last evaluated: 2018-08-09. Review status: criteria provided, single submitter. Criteria: Invitae Variant Classification Sherloc (09022015). Collection method: clinical testing. Allele origin: germline.

PreventionGenetics, part of Exact Sciences
Classification: Likely benign for ITIH4-related condition. Last evaluated: 2023-02-08. Review status: no assertion criteria provided. Collection method: clinical testing. Allele origin: germline. Not counted in ClinVar's aggregate classification.
Comment: This variant is classified as likely benign based on ACMG/AMP sequence variant interpretation guidelines (Richards et al. 2015 PMID: 25741868, with internal and published modifications).